The following is an entry in ClinVar:

NM_000552.5(VWF):c.4413dup (p.Asp1472fs)

Gene: VWF (von Willebrand factor; minus strand). Cytogenetic location: 12p13.31.
Variant type: Duplication.
Coding change: c.4413dup on transcript NM_000552.5 (MANE Select); coding-DNA position 4413, one base duplicated (C; older notation c.4413dupC).
Protein change: p.Asp1472fs; shifts the reading frame from aspartic acid 1472.
Molecular consequence: frameshift variant.
Genome position (GRCh38, 1-based): chr12:6,019,005, G duplicated on the plus strand (C on the coding strand, the reverse complement: VWF is on the minus strand); the first of 6 consecutive G bases (chr12:6,019,005-6,019,010); duplicating any one gives the same sequence. VCF-style (leftmost placement, unchanged base first): chr12-6019004-C-CG. GRCh37 (hg19) VCF-style: chr12-6128170-C-CG.
Other names: c.4413dupC (NM_000552.5); short protein forms D1472fs.
Identifiers: ClinVar variation 2920929 (VCV002920929.3), dbSNP rs1565831817, ClinGen allele CA645595298.

ClinVar aggregate classification (germline): Pathogenic. Review status: criteria provided, multiple submitters, no conflicts (2 of 4 stars). 2 submissions from 2 submitters: Pathogenic (2). Last evaluated 2025-01-14.

Conditions:
von Willebrand disorder (VWD). Also called: von Willebrand's disease; Von Willebrand disease (hereditary or acquired); von Willebrand Diseases. Identifiers: MedGen C0042974, MeSH D014842, MONDO:0024574.

Submissions (2):

Women's Health and Genetics/Laboratory Corporation of America, LabCorp
Classification: Pathogenic for von Willebrand disorder. Last evaluated: 2025-01-14. Review status: criteria provided, single submitter. Criteria: LabCorp Variant Classification Summary - May 2015. Collection method: clinical testing. Allele origin: germline.
Comment: Variant summary: VWF c.4413dupC (p.Asp1472ArgfsX40) results in a premature termination codon, predicted to cause absence of the protein due to nonsense mediated decay, which is a commonly known mechanism for disease. The variant was absent in 248378 control chromosomes. c.4413dupC has been reported in the literature at a compound heterozygous along with another pathogenic variant in one individual affected with Von Willebrand Disease type 3 (example, Baronciani_2003). To our knowledge, no experimental evidence demonstrating an impact on protein function has been reported. The following publication has been ascertained in the context of this evaluation (PMID: 12737944). ClinVar contains an entry for this variant (Variation ID: 2920929). Based on the evidence outlined above, the variant was classified as pathogenic.

ARUP Laboratories, Molecular Genetics and Genomics, ARUP Laboratories
Classification: Pathogenic. Last evaluated: 2023-03-30. Review status: criteria provided, single submitter. Criteria: ARUP Molecular Germline Variant Investigation Process 2024. Collection method: clinical testing. Allele origin: germline.
Comment: The VWF c.4413dup; p.Asp1472ArgfsTer40 variant, also reported as 4414insC, is reported in an individual with type 3 VWD who also carried an additional pathogenic variant (Baronciani 2003). The c.4413dup variant is absent from the Genome Aggregation Database, indicating it is not a common polymorphism. This variant causes a frameshift by inserting a single nucleotide, so it is predicted to result in a truncated protein or mRNA subject to nonsense-mediated decay. Based on available information, this variant is considered to be pathogenic. References: Baronciani L et al. Molecular defects in type 3 von Willebrand disease: updated results from 40 multiethnic patients. Blood Cells Mol Dis. 2003 May-Jun;30(3):264-70. PMID: 12737944.

Literature cited by the submitters: PubMed 12737944 (cited by Women's Health and Genetics/Laboratory Corporation of America, LabCorp).